The following is an entry in ClinVar:

NM_139215.3(TAF15):c.1248C>T (p.Gly416=)

Gene: TAF15 (TATA-box binding protein associated factor 15; plus strand). Cytogenetic location: 17q12.
Variant type: single nucleotide variant.
Coding change: c.1248C>T on transcript NM_139215.3 (MANE Select); coding-DNA position 1248, C replaced by T.
Protein change: p.Gly416=; no amino-acid change (glycine 416 retained).
Molecular consequence: synonymous variant.
Genome position (GRCh38, 1-based): chr17:35,844,547, C>T. VCF-style: chr17-35844547-C-T. GRCh37 (hg19) VCF-style: chr17-34171551-C-T.
Other names: NC_000017.10:g.34171551C>T; c.1239C>T, p.Gly413= (NM_003487.4).
Identifiers: ClinVar variation 3351887 (VCV003351887.2).

ClinVar aggregate classification (germline): Likely benign (0 of 4 stars; one submission).

Conditions:
TAF15-related disorder. Also called: TAF15-related condition.

gnomAD v4.1: 52 of 1,600,918 alleles (0.0032%); highest among the groups gnomAD compares: Middle Eastern, 0.017%; no homozygotes.

Submissions (2):

PreventionGenetics, part of Exact Sciences
Classification: Likely benign for TAF15-related condition. Last evaluated: 2024-03-26. Review status: no assertion criteria provided. Collection method: clinical testing. Allele origin: germline.
Comment: This variant is classified as likely benign based on ACMG/AMP sequence variant interpretation guidelines (Richards et al. 2015 PMID: 25741868, with internal and published modifications).

Dr. Peter K. Rogan Lab, Western University
No classification provided (evidence only). Condition: Familial cancer of breast. Review status: no classification provided. Collection method: in vitro. Allele origin: not applicable. Functional consequence: retained intron. Not counted in ClinVar's aggregate classification.